The following is an entry in ClinVar:

NM_001145860.2(POP1):c.1362+2T>G

Gene: POP1 (POP1 ribonuclease P/MRP subunit; plus strand). Cytogenetic location: 8q22.2.
Variant type: single nucleotide variant.
Coding change: c.1362+2T>G on transcript NM_001145860.2 (MANE Select); the canonical splice donor site of the intron after coding-DNA position 1362, T replaced by G.
Molecular consequence: splice donor variant.
Genome position (GRCh38, 1-based): chr8:98,136,956, T>G. VCF-style: chr8-98136956-T-G. GRCh37 (hg19) VCF-style: chr8-99149184-T-G.
Other names: c.1362+2T>G (NM_001145861.2, NM_015029.3).
Identifiers: ClinVar variation 2770773 (VCV002770773.3), dbSNP rs2488055805, ClinGen allele CA371793377.

ClinVar aggregate classification (germline): Likely pathogenic (1 of 4 stars; one submission).

Submission:

Labcorp Genetics (formerly Invitae), Labcorp
Classification: Likely pathogenic. Last evaluated: 2025-04-14. Review status: criteria provided, single submitter. Criteria: Invitae Variant Classification Sherloc (09022015). Collection method: clinical testing. Allele origin: germline.
Comment: This sequence change affects a donor splice site in intron 9 of the POP1 gene. It is expected to disrupt RNA splicing. Variants that disrupt the donor or acceptor splice site typically lead to a loss of protein function (PMID: 16199547), and loss-of-function variants in POP1 are known to be pathogenic (PMID: 21455487). This variant is not present in population databases (gnomAD no frequency). This variant has not been reported in the literature in individuals affected with POP1-related conditions. ClinVar contains an entry for this variant (Variation ID: 2770773). Algorithms developed to predict the effect of sequence changes on RNA splicing suggest that this variant may disrupt the consensus splice site. In summary, the currently available evidence indicates that the variant is pathogenic, but additional data are needed to prove that conclusively. Therefore, this variant has been classified as Likely Pathogenic.

Literature cited by the submitters: PubMed 16199547; PubMed 21455487.